The following is an entry in ClinVar:

ClinVar aggregate classification (germline): Uncertain significance. Review status: criteria provided, multiple submitters, no conflicts (2 of 4 stars). 3 submissions from 3 submitters: Uncertain significance (3). Last evaluated 2024-09-13.

Conditions:
ADNP-related multiple congenital anomalies - intellectual disability - autism spectrum disorder. Also called: ADNP-Related Helsmoortel-Van der Aa Syndrome; Helsmoortel-Van der Aa Syndrome. Identifiers: Orphanet 404448, MedGen C4014538, MONDO:0014379, OMIM 615873. Disease mechanism: loss of function.

Submissions (3):

Women's Health and Genetics/Laboratory Corporation of America, LabCorp
Classification: Uncertain significance. Last evaluated: 2024-09-13. Review status: criteria provided, single submitter. Criteria: LabCorp Variant Classification Summary - May 2015. Collection method: clinical testing. Allele origin: germline.
Comment: Variant summary: ADNP c.2906C>G (p.Ala969Gly) results in a non-conservative amino acid change in the encoded protein sequence. Four of five in-silico tools predict a benign effect of the variant on protein function. The variant was absent in 251338 control chromosomes (gnomAD v2.1). The available data on variant occurrences in the general population are insufficient to allow any conclusion about variant significance. To our knowledge, no occurrence of c.2906C>G in individuals affected with ADNP-Related Multiple Congenital Anomalies-Intellectual Disability-Autism Spectrum Disorder and no experimental evidence demonstrating its impact on protein function have been reported. ClinVar contains an entry for this variant (Variation ID: 2979602). Based on the evidence outlined above, the variant was classified as uncertain significance.

Revvity Omics, Revvity
Classification: Uncertain significance for ADNP-related multiple congenital anomalies - intellectual disability - autism spectrum disorder. Last evaluated: 2024-06-12. Review status: criteria provided, single submitter. Criteria: ACMG Guidelines, 2015. Collection method: clinical testing. Allele origin: germline.

Labcorp Genetics (formerly Invitae), Labcorp
Classification: Uncertain significance. Last evaluated: 2024-05-06. Review status: criteria provided, single submitter. Criteria: Invitae Variant Classification Sherloc (09022015). Collection method: clinical testing. Allele origin: germline.
Comment: This sequence change replaces alanine, which is neutral and non-polar, with glycine, which is neutral and non-polar, at codon 969 of the ADNP protein (p.Ala969Gly). This variant is not present in population databases (gnomAD no frequency). This variant has not been reported in the literature in individuals affected with ADNP-related conditions. An algorithm developed to predict the effect of missense changes on protein structure and function (PolyPhen-2) suggests that this variant is likely to be tolerated. In summary, the available evidence is currently insufficient to determine the role of this variant in disease. Therefore, it has been classified as a Variant of Uncertain Significance.

NM_001282531.3(ADNP):c.2906C>G (p.Ala969Gly)

Gene: ADNP (activity dependent neuroprotector homeobox; minus strand). Cytogenetic location: 20q13.13.
Variant type: single nucleotide variant.
Coding change: c.2906C>G on transcript NM_001282531.3 (MANE Select); coding-DNA position 2906, C replaced by G.
Protein change: p.Ala969Gly; replaces alanine 969 with glycine.
Molecular consequence: missense variant.
Genome position (GRCh38, 1-based): chr20:50,891,808, G>C on the plus strand (C>G on the coding strand, the complement: ADNP is on the minus strand). VCF-style: chr20-50891808-G-C. GRCh37 (hg19) VCF-style: chr20-49508345-G-C.
Other names: c.2906C>G, p.Ala969Gly (NM_001282532.2, NM_001347511.2, NM_015339.5 and 1 more transcripts); short protein forms A969G.
Identifiers: ClinVar variation 2979602 (VCV002979602.5), dbSNP rs2515574735, ClinGen allele CA408967527.